The following is an entry in ClinVar:

NM_003907.3(EIF2B5):c.1274T>G (p.Leu425Arg)

Gene: EIF2B5 (eukaryotic translation initiation factor 2B subunit epsilon; plus strand). Cytogenetic location: 3q27.1.
Variant type: single nucleotide variant.
Coding change: c.1274T>G on transcript NM_003907.3 (MANE Select); coding-DNA position 1274, T replaced by G.
Protein change: p.Leu425Arg; replaces leucine 425 with arginine.
Molecular consequence: missense variant.
Genome position (GRCh38, 1-based): chr3:184,142,042, T>G. VCF-style: chr3-184142042-T-G. GRCh37 (hg19) VCF-style: chr3-183859830-T-G.
Other names: short protein forms L425R.
Identifiers: ClinVar variation 2734598 (VCV002734598.3), dbSNP rs113994077, ClinGen allele CA2726630.

ClinVar aggregate classification (germline): Uncertain significance (1 of 4 stars; one submission).

Allele frequency attached by ClinVar (database versions not stated): gnomAD exomes below 0.00001; ExAC 0.00002.
gnomAD v4.1: 1 of 1,614,160 alleles (0.000062%); highest among the groups gnomAD compares: Admixed American, 0.0017%; no homozygotes.

Submission:

Labcorp Genetics (formerly Invitae), Labcorp
Classification: Uncertain significance. Last evaluated: 2025-05-25. Review status: criteria provided, single submitter. Criteria: Invitae Variant Classification Sherloc (09022015). Collection method: clinical testing. Allele origin: germline.
Comment: This sequence change replaces leucine, which is neutral and non-polar, with arginine, which is basic and polar, at codon 425 of the EIF2B5 protein (p.Leu425Arg). This variant is present in population databases (rs113994077, gnomAD 0.003%). This missense change has been observed in individual(s) with clinical features of EIF2B5-related conditions (PMID: 15136673). ClinVar contains an entry for this variant (Variation ID: 2734598). Invitae Evidence Modeling of protein sequence and biophysical properties (such as structural, functional, and spatial information, amino acid conservation, physicochemical variation, residue mobility, and thermodynamic stability) indicates that this missense variant is expected to disrupt EIF2B5 protein function with a positive predictive value of 80%. In summary, the available evidence is currently insufficient to determine the role of this variant in disease. Therefore, it has been classified as a Variant of Uncertain Significance.

Literature cited by the submitters: PubMed 15136673.